The following is an entry in ClinVar:

NM_001204.7(BMPR2):c.760C>T (p.His254Tyr)

Gene: BMPR2 (bone morphogenetic protein receptor type 2; plus strand). Cytogenetic location: 2q33.2.
Variant type: single nucleotide variant.
Coding change: c.760C>T on transcript NM_001204.7 (MANE Select); coding-DNA position 760, C replaced by T.
Protein change: p.His254Tyr; replaces histidine 254 with tyrosine.
Molecular consequence: missense variant.
Genome position (GRCh38, 1-based): chr2:202,518,960, C>T. VCF-style: chr2-202518960-C-T. GRCh37 (hg19) VCF-style: chr2-203383683-C-T.
Other names: short protein forms H254Y.
Identifiers: ClinVar variation 3824876 (VCV003824876.1).

ClinVar aggregate classification (germline): Uncertain significance (1 of 4 stars; one submission).

Conditions:
Inborn genetic diseases. Identifiers: MedGen C0950123, MeSH D030342.

Submission:

Ambry Genetics
Classification: Uncertain significance for Inborn genetic diseases. Last evaluated: 2025-02-04. Review status: criteria provided, single submitter. Criteria: Ambry Variant Classification Scheme 2023. Collection method: clinical testing. Allele origin: germline.
Comment: The p.H254Y variant (also known as c.760C>T), located in coding exon 6 of the BMPR2 gene, results from a C to T substitution at nucleotide position 760. The histidine at codon 254 is replaced by tyrosine, an amino acid with similar properties. This amino acid position is conserved. In addition, this alteration is predicted to be deleterious by in silico analysis. Based on the available evidence, the clinical significance of this variant remains unclear.